The following is an entry in ClinVar:

ClinVar aggregate classification (germline): Conflicting classifications of pathogenicity. Review status: criteria provided, conflicting classifications (1 of 4 stars). 2 submissions from 2 submitters: Likely pathogenic (1); Uncertain significance (1). Last evaluated 2026-05-04.

Conditions:
Cardiovascular phenotype. Identifiers: MedGen CN230736.
Dilated cardiomyopathy 1G (CMD1G). Identifiers: Orphanet 154, MedGen C1858763, MONDO:0011400, OMIM 604145.
Autosomal recessive limb-girdle muscular dystrophy type 2J (LGMDR10). Also called: Limb-girdle muscular dystrophy, type 2J; MUSCULAR DYSTROPHY, LIMB-GIRDLE, AUTOSOMAL RECESSIVE 10. Identifiers: Orphanet 140922, MedGen C1837342, MONDO:0012127, OMIM 608807.

Submissions (2):

Ambry Genetics
Classification: Uncertain significance for Cardiovascular phenotype. Last evaluated: 2026-05-04. Review status: criteria provided, single submitter. Criteria: Ambry Variant Classification Scheme 2023. Collection method: clinical testing. Allele origin: germline.
Comment: The c.24908-1G>A intronic variant results from a G to A substitution one nucleotide upstream from coding exon 101 of the TTN gene. This exon is located in the A-band region of the N2-B isoform of the titin protein and is constitutively expressed in TTN transcripts (percent spliced in or PSI 100%). This nucleotide position is highly conserved in available vertebrate species. In silico splice site analysis predicts that this alteration will weaken the native splice acceptor site. This variant disrupts the canonical splice site and is expected to cause aberrant splicing. However, although direct evidence is unavailable, this variant is predicted to result in an in-frame transcript that is not expected to trigger nonsense-mediated mRNA decay. The exact functional effect of the predicted splice impact is unknown. Based on the available evidence, the clinical significance of this variant remains unclear.

Labcorp Genetics (formerly Invitae), Labcorp
Classification: Likely pathogenic for Dilated cardiomyopathy 1G; Autosomal recessive limb-girdle muscular dystrophy type 2J. Last evaluated: 2022-07-25. Review status: criteria provided, single submitter. Criteria: Invitae Variant Classification Sherloc (09022015). Collection method: clinical testing. Allele origin: germline.
Comment: Algorithms developed to predict the effect of sequence changes on RNA splicing suggest that this variant may disrupt the consensus splice site. ClinVar contains an entry for this variant (Variation ID: 1515407). This variant has not been reported in the literature in individuals affected with TTN-related conditions. This variant is not present in population databases (gnomAD no frequency). This sequence change affects an acceptor splice site in intron 273 of the TTN gene. It is expected to disrupt RNA splicing and likely results in a truncated or disrupted TTN protein. This variant is located in the A band of TTN (PMID: 25589632). Truncating variants in this region are significantly overrepresented in patients affected with dilated cardiomyopathy (PMID: 25589632). Truncating variants in this region have also been reported in individuals affected with autosomal recessive centronuclear myopathy (PMID: 23975875). In summary, the currently available evidence indicates that the variant is pathogenic, but additional data are needed to prove that conclusively. Therefore, this variant has been classified as Likely Pathogenic.

Literature cited by the submitters: PubMed 25589632 (cited by Labcorp Genetics (formerly Invitae), Labcorp); PubMed 23975875 (cited by Labcorp Genetics (formerly Invitae), Labcorp).

NM_001267550.2(TTN):c.52103-1G>A

Genes: TTN (titin; minus strand), TTN-AS1 (TTN antisense RNA 1; plus strand). Cytogenetic location: 2q31.2.
Variant type: single nucleotide variant.
Coding change: c.52103-1G>A on transcript NM_001267550.2 (MANE Select); the canonical splice acceptor site of the intron before coding-DNA position 52103, G replaced by A.
Molecular consequence: splice acceptor variant.
Genome position (GRCh38, 1-based): chr2:178,608,909, C>T on the plus strand (G>A on the coding strand, the complement: TTN is on the minus strand). VCF-style: chr2-178608909-C-T. GRCh37 (hg19) VCF-style: chr2-179473636-C-T.
Other names: c.24908-1G>A (NM_003319.4); c.25484-1G>A (NM_133437.4); c.25283-1G>A (NM_133432.3); c.44399-1G>A (NM_133378.4); c.47180-1G>A (NM_001256850.1).
Identifiers: ClinVar variation 1515407 (VCV001515407.9), dbSNP rs2154197995, ClinGen allele CA349576962.
Genomic context (GRCh38, chr2:178,608,909, plus strand): 5'-AAAGGACTGAGGTCTTTCTGATATCTTCAAATACAAAGTTGATTGGTGGTCCCGGTGTAT[C>T]TAATATTTCAGAAGAGAACAGTAATCAAAAATTTGTGTGGGAAGGGTTGCTATGGAAAAT-3'